The following is an entry in ClinVar:

NM_003073.5(SMARCB1):c.62A>G (p.Asp21Gly)

Gene: SMARCB1 (SWI/SNF related BAF chromatin remodeling complex subunit B1; plus strand). Cytogenetic location: 22q11.23.
Variant type: single nucleotide variant.
Coding change: c.62A>G on transcript NM_003073.5 (MANE Select); coding-DNA position 62, A replaced by G.
Protein change: p.Asp21Gly; replaces aspartic acid 21 with glycine.
Molecular consequence: missense variant.
Genome position (GRCh38, 1-based): chr22:23,787,231, A>G. VCF-style: chr22-23787231-A-G. GRCh37 (hg19) VCF-style: chr22-24129418-A-G.
Other names: c.62A>G, p.Asp21Gly (NM_001007468.3, NM_001317946.2, NM_001362877.2); short protein forms D21G.
Identifiers: ClinVar variation 1218089 (VCV001218089.7), dbSNP rs2145952092, ClinGen allele CA410930819.
Genomic context (GRCh38, chr22:23,787,231, plus strand): 5'-TGATGATGATGGCGCTGAGCAAGACCTTCGGGCAGAAGCCCGTGAAGTTCCAGCTGGAGG[A>G]CGACGGCGAGTTCTACATGATCGGCTCCGAGGTAGCCCGGGGCGCGTTCTCGCCCTCCCC-3'
Protein context (NP_003064.2, residues 11-31): GQKPVKFQLE[Asp21Gly]DGEFYMIGSE

ClinVar aggregate classification (germline): Uncertain significance. Review status: criteria provided, multiple submitters, no conflicts (2 of 4 stars). 3 submissions from 3 submitters: Uncertain significance (3). Last evaluated 2024-08-20.

Conditions:
Hereditary cancer-predisposing syndrome. Also called: Neoplastic Syndromes, Hereditary; Tumor predisposition; Hereditary neoplastic syndrome; Hereditary Cancer Syndrome. Identifiers: Orphanet 140162, MedGen C0027672, MeSH D009386, MONDO:0015356.

Allele frequency attached by ClinVar (database versions not stated): gnomAD exomes below 0.00001.
gnomAD v4.1: 1 of 1,607,852 alleles (0.000062%); no homozygotes.

Submissions (3):

Labcorp Genetics (formerly Invitae), Labcorp
Classification: Uncertain significance. Last evaluated: 2024-08-20. Review status: criteria provided, single submitter. Criteria: Invitae Variant Classification Sherloc (09022015). Collection method: clinical testing. Allele origin: germline.
Comment: This sequence change replaces aspartic acid, which is acidic and polar, with glycine, which is neutral and non-polar, at codon 21 of the SMARCB1 protein (p.Asp21Gly). This variant is not present in population databases (gnomAD no frequency). This variant has not been reported in the literature in individuals affected with SMARCB1-related conditions. ClinVar contains an entry for this variant (Variation ID: 1218089). An algorithm developed to predict the effect of missense changes on protein structure and function (PolyPhen-2) suggests that this variant is likely to be tolerated. In summary, the available evidence is currently insufficient to determine the role of this variant in disease. Therefore, it has been classified as a Variant of Uncertain Significance.

Ambry Genetics
Classification: Uncertain significance for Hereditary cancer-predisposing syndrome. Last evaluated: 2024-08-02. Review status: criteria provided, single submitter. Criteria: Ambry Variant Classification Scheme 2023. Collection method: clinical testing. Allele origin: germline.
Comment: The p.D21G variant (also known as c.62A>G), located in coding exon 1 of the SMARCB1 gene, results from an A to G substitution at nucleotide position 62. The aspartic acid at codon 21 is replaced by glycine, an amino acid with similar properties. This amino acid position is conserved. In addition, the in silico prediction for this alteration is inconclusive. Based on the available evidence, the clinical significance of this variant remains unclear.

GeneDx
Classification: Uncertain significance. Last evaluated: 2019-11-22. Review status: criteria provided, single submitter. Criteria: GeneDx Variant Classification Process June 2021. Collection method: clinical testing. Allele origin: germline. Affected: yes.
Comment: Not observed in large population cohorts (Lek et al., 2016); In silico analysis, which includes protein predictors and evolutionary conservation, supports a deleterious effect; Has not been previously published as pathogenic or benign to our knowledge